The following is an entry in ClinVar:

NM_017988.6(SCYL2):c.1987G>A (p.Glu663Lys)

Gene: SCYL2 (SCY1 like pseudokinase 2; plus strand). Cytogenetic location: 12q23.1.
Variant type: single nucleotide variant.
Coding change: c.1987G>A on transcript NM_017988.6 (MANE Select); coding-DNA position 1987, G replaced by A.
Protein change: p.Glu663Lys; replaces glutamic acid 663 with lysine.
Molecular consequence: missense variant.
Genome position (GRCh38, 1-based): chr12:100,335,868, G>A. VCF-style: chr12-100335868-G-A. GRCh37 (hg19) VCF-style: chr12-100729646-G-A.
Other names: c.1987G>A, p.Glu663Lys (NM_001317784.2); c.1999G>A, p.Glu667Lys (NM_001330253.2, NM_001330254.2); c.1480G>A, p.Glu494Lys (NM_001330256.2); short protein forms E494K, E663K, E667K.
Identifiers: ClinVar variation 2643230 (VCV002643230.24), dbSNP rs56237749, ClinGen allele CA6738455.

ClinVar aggregate classification (germline): Benign (1 of 4 stars; one submission).

Allele frequency attached by ClinVar (database versions not stated): 1000 Genomes Project 0.00220; 1000 Genomes Project 30x 0.00234; ExAC 0.00473; TOPMed 0.00538; gnomAD 0.00595; ESP Exome Variant Server 0.00730; gnomAD exomes 0.00968.
gnomAD v4.1: 14,924 of 1,613,090 alleles (0.93%); highest among the groups gnomAD compares: Non-Finnish European, 1.2%; 113 homozygotes.

Submission:

CeGaT Center for Human Genetics Tuebingen
Classification: Benign. Last evaluated: 2026-09-01. Review status: criteria provided, single submitter. Criteria: CeGaT Center For Human Genetics Tuebingen Variant Classification Criteria Version 2. Collection method: clinical testing. Allele origin: germline. Affected: yes. Observed: 3 variant alleles.
Comment: SCYL2: BP4, BS1, BS2